The following is an entry in ClinVar:

ClinVar aggregate classification (germline): Uncertain significance. Review status: criteria provided, multiple submitters, no conflicts (2 of 4 stars). 3 submissions from 3 submitters: Uncertain significance (3). Last evaluated 2026-03-24.

Conditions:
Familial thoracic aortic aneurysm and aortic dissection (TAAD). Also called: Thoracic aortic aneurysms and dissections. Identifiers: Orphanet 91387, MedGen C4707243, MONDO:0019625.

Submissions (3):

GeneDx
Classification: Uncertain significance. Last evaluated: 2026-03-24. Review status: criteria provided, single submitter. Criteria: GeneDx Variant Classification Process June 2021. Collection method: clinical testing. Allele origin: germline.
Comment: Not observed at significant frequency in large population cohorts (gnomAD); In silico analysis supports that this missense variant has a deleterious effect on protein structure/function; Has not been previously published as pathogenic or benign to our knowledge

Ambry Genetics
Classification: Uncertain significance for Familial thoracic aortic aneurysm and aortic dissection. Last evaluated: 2025-04-24. Review status: criteria provided, single submitter. Criteria: Ambry Variant Classification Scheme 2023. Collection method: clinical testing. Allele origin: germline.
Comment: The p.A1491T variant (also known as c.4471G>A), located in coding exon 24 of the MYLK gene, results from a G to A substitution at nucleotide position 4471. The alanine at codon 1491 is replaced by threonine, an amino acid with similar properties. This amino acid position is highly conserved in available vertebrate species. In addition, the in silico prediction for this alteration is inconclusive. Based on the available evidence, the clinical significance of this variant remains unclear.

Blueprint Genetics
Classification: Uncertain significance. Last evaluated: 2023-08-21. Review status: criteria provided, single submitter. Criteria: ACMG Guidelines, 2015. Collection method: clinical testing. Allele origin: germline.

NM_053025.4(MYLK):c.4471G>A (p.Ala1491Thr)

Gene: MYLK (myosin light chain kinase; minus strand). Cytogenetic location: 3q21.1.
Variant type: single nucleotide variant.
Coding change: c.4471G>A on transcript NM_053025.4 (MANE Select); coding-DNA position 4471, G replaced by A.
Protein change: p.Ala1491Thr; replaces alanine 1491 with threonine.
Molecular consequence: missense variant.
Genome position (GRCh38, 1-based): chr3:123,647,372, C>T on the plus strand (G>A on the coding strand, the complement: MYLK is on the minus strand). VCF-style: chr3-123647372-C-T. GRCh37 (hg19) VCF-style: chr3-123366219-C-T.
Other names: c.3943G>A, p.Ala1315Thr (NM_001321309.2); c.4264G>A, p.Ala1422Thr (NM_053026.4, NM_053028.4); c.4471G>A, p.Ala1491Thr (NM_053027.4); short protein forms A1315T, A1491T, A1422T.
Identifiers: ClinVar variation 3915753 (VCV003915753.3).